The following is an entry in ClinVar:

NM_014049.5(ACAD9):c.1663C>T (p.Arg555Cys)

Genes: ACAD9 (acyl-CoA dehydrogenase family member 9; plus strand), CFAP92 (cilia and flagella associated protein 92 (putative); minus strand). Cytogenetic location: 3q21.3.
Variant type: single nucleotide variant.
Coding change: c.1663C>T on transcript NM_014049.5 (MANE Select); coding-DNA position 1663, C replaced by T.
Protein change: p.Arg555Cys; replaces arginine 555 with cysteine.
Molecular consequence: missense variant. On other transcripts: non-coding transcript variant (1), 3 prime UTR variant (3).
Genome position (GRCh38, 1-based): chr3:128,910,120, C>T. VCF-style: chr3-128910120-C-T. GRCh37 (hg19) VCF-style: chr3-128628963-C-T.
Other names: c.1294C>T, p.Arg432Cys (NM_001410805.1); c.*179G>A (NM_001348520.2, NM_001348521.2, NM_001394090.1); c.1663C>T (NM_014049.4); short protein forms R555C, R432C.
Identifiers: ClinVar variation 1377409 (VCV001377409.4), dbSNP rs748222640, ClinGen allele CA2601638.
Genomic context (GRCh38, chr3:128,910,120, plus strand): 5'-AACATCCTCATCAACCTGTATGGCATGACGGCCGTGCTGTCGCGGGCCAGCCGCTCCATC[C>T]GCATTGGGCTCCGCAACCACGACCACGAGGTGAGCCCAGCCCAGCCTCACACAGGGCCTG-3'
Protein context (NP_054768.2, residues 545-565): AVLSRASRSI[Arg555Cys]IGLRNHDHEV

ClinVar aggregate classification (germline): Uncertain significance. Review status: criteria provided, multiple submitters, no conflicts (2 of 4 stars). 2 submissions from 2 submitters: Uncertain significance (2). Last evaluated 2024-02-15.

Allele frequency attached by ClinVar (database versions not stated): ExAC 0.00002; gnomAD exomes 0.00002; gnomAD 0.00003 and 0.00004; TOPMed 0.00005.
gnomAD v4.1: 37 of 1,613,922 alleles (0.0023%); highest among the groups gnomAD compares: South Asian, 0.012%; no homozygotes.

Submissions (2):

GeneDx
Classification: Uncertain significance. Last evaluated: 2024-02-15. Review status: criteria provided, single submitter. Criteria: GeneDx Variant Classification Process June 2021. Collection method: clinical testing. Allele origin: germline. Affected: yes.
Comment: Not observed at significant frequency in large population cohorts (gnomAD); In silico analysis supports that this missense variant does not alter protein structure/function; Has not been previously published as pathogenic or benign to our knowledge

Labcorp Genetics (formerly Invitae), Labcorp
Classification: Uncertain significance. Last evaluated: 2022-06-27. Review status: criteria provided, single submitter. Criteria: Invitae Variant Classification Sherloc (09022015). Collection method: clinical testing. Allele origin: germline.
Comment: This sequence change replaces arginine, which is basic and polar, with cysteine, which is neutral and slightly polar, at codon 555 of the ACAD9 protein (p.Arg555Cys). This variant is present in population databases (rs748222640, gnomAD 0.01%). This variant has not been reported in the literature in individuals affected with ACAD9-related conditions. Advanced modeling of protein sequence and biophysical properties (such as structural, functional, and spatial information, amino acid conservation, physicochemical variation, residue mobility, and thermodynamic stability) performed at Invitae indicates that this missense variant is not expected to disrupt ACAD9 protein function. In summary, the available evidence is currently insufficient to determine the role of this variant in disease. Therefore, it has been classified as a Variant of Uncertain Significance.